The following is an entry in ClinVar:

NM_001111125.3(IQSEC2):c.1398A>T (p.Lys466Asn)

Gene: IQSEC2 (IQ motif and Sec7 domain ArfGEF 2; minus strand). Cytogenetic location: Xp11.22.
Variant type: single nucleotide variant.
Coding change: c.1398A>T on transcript NM_001111125.3 (MANE Select); coding-DNA position 1398, A replaced by T.
Protein change: p.Lys466Asn; replaces lysine 466 with asparagine.
Molecular consequence: missense variant.
Genome position (GRCh38, 1-based): chrX:53,254,533, T>A on the plus strand (A>T on the coding strand, the complement: IQSEC2 is on the minus strand). VCF-style: chrX-53254533-T-A. GRCh37 (hg19) VCF-style: chrX-53283715-T-A.
Other names: c.1398A>T, p.Lys466Asn (NM_001410736.1); c.783A>T, p.Lys261Asn (NM_015075.2); short protein forms K261N, K466N.
Identifiers: ClinVar variation 2710630 (VCV002710630.3), dbSNP rs2519835402, ClinGen allele CA413167218.
Genomic context (GRCh38, chrX:53,254,533, plus strand): 5'-GCAGGAGTAGCCAGAACACGGGGATGGGGAAGAAAGGTCCTTTTCAGGGATCCTGACCTG[T>A]TTGGAGAAGGAGTCCTCAAGTTCTGTGATGTCATTAGAAAACTCTCCAGATGTGGTGACG-3'
Protein context (NP_001104595.1, residues 456-476): DITELEDSFS[Lys466Asn]QVKSLAESID

ClinVar aggregate classification (germline): Uncertain significance (1 of 4 stars; one submission).

Conditions:
Intellectual developmental disorder, X-linked 1. Also called: MENTAL RETARDATION, X-LINKED 18; MENTAL RETARDATION, X-LINKED 78; Atkin Flaitz Patil Smith syndrome; Intellectual disability, X-linked 1. Identifiers: Orphanet 777, MedGen C2931498, MONDO:0010656, OMIM 309530.

Submission:

Labcorp Genetics (formerly Invitae), Labcorp
Classification: Uncertain significance for Intellectual developmental disorder, X-linked 1. Last evaluated: 2024-01-21. Review status: criteria provided, single submitter. Criteria: Invitae Variant Classification Sherloc (09022015). Collection method: clinical testing. Allele origin: germline.
Comment: This sequence change replaces lysine, which is basic and polar, with asparagine, which is neutral and polar, at codon 466 of the IQSEC2 protein (p.Lys466Asn). This variant is not present in population databases (gnomAD no frequency). This variant has not been reported in the literature in individuals affected with IQSEC2-related conditions. Advanced modeling of protein sequence and biophysical properties (such as structural, functional, and spatial information, amino acid conservation, physicochemical variation, residue mobility, and thermodynamic stability) performed at Invitae indicates that this missense variant is not expected to disrupt IQSEC2 protein function with a negative predictive value of 95%. In summary, the available evidence is currently insufficient to determine the role of this variant in disease. Therefore, it has been classified as a Variant of Uncertain Significance.